The following is an entry in ClinVar:

NM_000204.5(CFI):c.868G>C (p.Glu290Gln)

Gene: CFI (complement factor I; minus strand). Cytogenetic location: 4q25.
Variant type: single nucleotide variant.
Coding change: c.868G>C on transcript NM_000204.5 (MANE Select); coding-DNA position 868, G replaced by C.
Protein change: p.Glu290Gln; replaces glutamic acid 290 with glutamine.
Molecular consequence: missense variant. On other transcripts: non-coding transcript variant (3).
Genome position (GRCh38, 1-based): chr4:109,760,285, C>G on the plus strand (G>C on the coding strand, the complement: CFI is on the minus strand). VCF-style: chr4-109760285-C-G. GRCh37 (hg19) VCF-style: chr4-110681441-C-G.
Other names: c.868G>C, p.Glu290Gln (NM_001318057.2, NM_001331035.2, NM_001375278.1 and 10 more transcripts); c.259G>C, p.Glu87Gln (NM_001375284.1); short protein forms E290Q, E87Q.
Identifiers: ClinVar variation 4280468 (VCV004280468.1).

ClinVar aggregate classification (germline): Uncertain significance (1 of 4 stars; one submission).

Conditions:
CFI-related disorder. Also called: CFI-related condition; CFI-related disorders. Identifiers: MedGen CN239325.

Submission:

Genomenon, Inc
Classification: Uncertain significance for CFI-related disorder. Last evaluated: 2025-09-26. Review status: criteria provided, single submitter. Criteria: Genomenon Sequence Variant Interpretation Standards - Updated. Collection method: curation. Allele origin: germline. Affected: no.
Comment: CFI p.Glu290Gln (c.868G>C) is a missense variant that changes the amino acid at residue 290 from Glutamic acid to Glutamine. Functional studies have been reported;however, the significance of the findings remain unclear (PMID:21316765). The variant is located in a mutational hotspot. It is absent or not present at a significant frequency in gnomAD. In silico models agree that this variant is possibly or probably damaging. In conclusion, we classify CFI p.Glu290Gln (c.868G>C) as a variant of unknown significance.

Literature cited by the submitters: PubMed 21316765.